The following is an entry in ClinVar:

NM_145331.3(MAP3K7):c.739A>C (p.Thr247Pro)

Gene: MAP3K7 (mitogen-activated protein kinase kinase kinase 7; minus strand). Cytogenetic location: 6q15.
Variant type: single nucleotide variant.
Coding change: c.739A>C on transcript NM_145331.3 (MANE Select); coding-DNA position 739, A replaced by C.
Protein change: p.Thr247Pro; replaces threonine 247 with proline.
Molecular consequence: missense variant.
Genome position (GRCh38, 1-based): chr6:90,552,177, T>G on the plus strand (A>C on the coding strand, the complement: MAP3K7 is on the minus strand). VCF-style: chr6-90552177-T-G. GRCh37 (hg19) VCF-style: chr6-91261896-T-G.
Other names: c.739A>C, p.Thr247Pro (NM_003188.4, NM_145332.3, NM_145333.3); short protein forms T247P.
Identifiers: ClinVar variation 4712663 (VCV004712663.1).

ClinVar aggregate classification (germline): Uncertain significance (1 of 4 stars; one submission).

Submission:

Labcorp Genetics (formerly Invitae), Labcorp
Classification: Uncertain significance. Last evaluated: 2025-02-09. Review status: criteria provided, single submitter. Criteria: Invitae Variant Classification Sherloc (09022015). Collection method: clinical testing. Allele origin: germline.
Comment: This sequence change replaces threonine, which is neutral and polar, with proline, which is neutral and non-polar, at codon 247 of the MAP3K7 protein (p.Thr247Pro). This variant is not present in population databases (gnomAD no frequency). This variant has not been reported in the literature in individuals affected with MAP3K7-related conditions. An algorithm developed to predict the effect of missense changes on protein structure and function (PolyPhen-2) suggests that this variant is likely to be tolerated. In summary, the available evidence is currently insufficient to determine the role of this variant in disease. Therefore, it has been classified as a Variant of Uncertain Significance.